The following is an entry in ClinVar:

NM_000260.4(MYO7A):c.1867C>T (p.Arg623Cys)

Gene: MYO7A (myosin VIIA; plus strand). Cytogenetic location: 11q13.5.
Variant type: single nucleotide variant.
Coding change: c.1867C>T on transcript NM_000260.4 (MANE Select); coding-DNA position 1867, C replaced by T.
Protein change: p.Arg623Cys; replaces arginine 623 with cysteine.
Molecular consequence: missense variant.
Genome position (GRCh38, 1-based): chr11:77,172,817, C>T. VCF-style: chr11-77172817-C-T. GRCh37 (hg19) VCF-style: chr11-76883863-C-T.
Other names: c.1867C>T, p.Arg623Cys (NM_001127180.2); c.1834C>T, p.Arg612Cys (NM_001369365.1); c.1867C>T (NM_000260.3); short protein forms R623C, R612C.
Identifiers: ClinVar variation 1469892 (VCV001469892.10), dbSNP rs142989331, ClinGen allele CA6197631.
Genomic context (GRCh38, chr11:77,172,817, plus strand): 5'-ACCAGGAAGCGCTCGCCCACACTTAGCAGCCAGTTCAAGCGGTCACTGGAGCTGCTGATG[C>T]GCACGCTGGGTGCCTGCCAGCCCTTCTTTGTGCGATGCATCAAGCCCAATGAGTTCAAGA-3'
Protein context (NP_000251.3, residues 613-633): QFKRSLELLM[Arg623Cys]TLGACQPFFV

ClinVar aggregate classification (germline): Uncertain significance. Review status: criteria provided, multiple submitters, no conflicts (2 of 4 stars). 4 submissions from 4 submitters: Uncertain significance (4). Last evaluated 2025-12-26.

Conditions:
Inborn genetic diseases. Identifiers: MedGen C0950123, MeSH D030342.

Allele frequency attached by ClinVar (database versions not stated): gnomAD 0.00002 and 0.00003; TOPMed 0.00003; ESP Exome Variant Server 0.00008; 1000 Genomes Project 30x 0.00016.
gnomAD v4.1: 23 of 1,553,812 alleles (0.0015%); highest among the groups gnomAD compares: Middle Eastern, 0.05%; no homozygotes.

Submissions (4):

Labcorp Genetics (formerly Invitae), Labcorp
Classification: Uncertain significance. Last evaluated: 2025-12-26. Review status: criteria provided, single submitter. Criteria: Invitae Variant Classification Sherloc (09022015). Collection method: clinical testing. Allele origin: germline.
Comment: This sequence change replaces arginine, which is basic and polar, with cysteine, which is neutral and slightly polar, at codon 623 of the MYO7A protein (p.Arg623Cys). The frequency data for this variant in the population databases is considered unreliable, as metrics indicate poor data quality at this position in the gnomAD database. This variant has not been reported in the literature in individuals affected with MYO7A-related conditions. ClinVar contains an entry for this variant (Variation ID: 1469892). Invitae Evidence Modeling of protein sequence and biophysical properties (such as structural, functional, and spatial information, amino acid conservation, physicochemical variation, residue mobility, and thermodynamic stability) has been performed for this missense variant. However, the output from this modeling did not meet the statistical confidence thresholds required to predict the impact of this variant on MYO7A protein function. In summary, the available evidence is currently insufficient to determine the role of this variant in disease. Therefore, it has been classified as a Variant of Uncertain Significance.

Ambry Genetics
Classification: Uncertain significance for Inborn genetic diseases. Last evaluated: 2024-06-28. Review status: criteria provided, single submitter. Criteria: Ambry Variant Classification Scheme 2023. Collection method: clinical testing. Allele origin: germline.

GeneDx
Classification: Uncertain significance. Last evaluated: 2024-01-25. Review status: criteria provided, single submitter. Criteria: GeneDx Variant Classification Process June 2021. Collection method: clinical testing. Allele origin: germline. Affected: yes.
Comment: In silico analysis supports that this missense variant has a deleterious effect on protein structure/function; Has not been previously published as pathogenic or benign to our knowledge

Blueprint Genetics
Classification: Uncertain significance. Last evaluated: 2023-08-24. Review status: criteria provided, single submitter. Criteria: ACMG Guidelines, 2015. Collection method: clinical testing. Allele origin: germline.